The following is an entry in ClinVar:

NM_001558.4(IL10RA):c.258_279dup (p.Asn94fs)

Gene: IL10RA (interleukin 10 receptor subunit alpha; plus strand). Cytogenetic location: 11q23.3.
Variant type: Duplication.
Coding change: c.258_279dup on transcript NM_001558.4 (MANE Select); coding-DNA positions 258 to 279, 22 bases duplicated (GACCTTGGACCTGTACCACAGC).
Protein change: p.Asn94fs; shifts the reading frame from asparagine 94.
Molecular consequence: frameshift variant. On other transcripts: non-coding transcript variant (1).
Genome position (GRCh38, 1-based): chr11:117,989,511-117,989,532, GACCTTGGACCTGTACCACAGC duplicated. VCF-style (leftmost placement, unchanged base first): chr11-117989510-T-TGACCTTGGACCTGTACCACAGC. GRCh37 (hg19) VCF-style: chr11-117860225-T-TGACCTTGGACCTGTACCACAGC.
Other names: short protein forms N94fs.
Identifiers: ClinVar variation 1978943 (VCV001978943.4), dbSNP rs1415553044, ClinGen allele CA602138339.

ClinVar aggregate classification (germline): Pathogenic (1 of 4 stars; one submission).

Conditions:
Inflammatory bowel disease 28. Also called: Inflammatory bowel disease 28, early onset, autosomal recessive. Identifiers: Orphanet 238569, MedGen C2751053, MONDO:0013153, OMIM 613148.

Allele frequency attached by ClinVar (database versions not stated): gnomAD exomes below 0.00001.

Submission:

Labcorp Genetics (formerly Invitae), Labcorp
Classification: Pathogenic for Inflammatory bowel disease 28. Last evaluated: 2023-09-08. Review status: criteria provided, single submitter. Criteria: Invitae Variant Classification Sherloc (09022015). Collection method: clinical testing. Allele origin: germline.
Comment: This sequence change creates a premature translational stop signal (p.Asn94Aspfs*36) in the IL10RA gene. It is expected to result in an absent or disrupted protein product. Loss-of-function variants in IL10RA are known to be pathogenic (PMID: 24216686, 25373860, 26822028). This variant is present in population databases (no rsID available, gnomAD 0.002%). This variant has not been reported in the literature in individuals affected with IL10RA-related conditions. ClinVar contains an entry for this variant (Variation ID: 1978943). For these reasons, this variant has been classified as Pathogenic.

Literature cited by the submitters: PubMed 24216686; PubMed 25373860; PubMed 26822028.